The following is an entry in ClinVar:

NM_001349253.2(SCN11A):c.1769A>G (p.Asn590Ser)

Gene: SCN11A (sodium voltage-gated channel alpha subunit 11; minus strand). Cytogenetic location: 3p22.2.
Variant type: single nucleotide variant.
Coding change: c.1769A>G on transcript NM_001349253.2 (MANE Select); coding-DNA position 1769, A replaced by G.
Protein change: p.Asn590Ser; replaces asparagine 590 with serine.
Molecular consequence: missense variant.
Genome position (GRCh38, 1-based): chr3:38,903,938, T>C on the plus strand (A>G on the coding strand, the complement: SCN11A is on the minus strand). VCF-style: chr3-38903938-T-C. GRCh37 (hg19) VCF-style: chr3-38945429-T-C.
Other names: c.1769A>G, p.Asn590Ser (NM_014139.3); short protein forms N590S.
Identifiers: ClinVar variation 3950916 (VCV003950916.2).

ClinVar aggregate classification (germline): Uncertain significance. Review status: criteria provided, multiple submitters, no conflicts (2 of 4 stars). 2 submissions from 2 submitters: Uncertain significance (2). Last evaluated 2025-05-20.

Conditions:
Inborn genetic diseases. Identifiers: MedGen C0950123, MeSH D030342.
Familial episodic pain syndrome with predominantly lower limb involvement. Also called: Episodic pain syndrome, familial, 3. Identifiers: Orphanet 391384, Orphanet 391392, MedGen C3809899, MONDO:0014247, OMIM 615552.
Hereditary sensory and autonomic neuropathy type 7. Also called: Neuropathy, hereditary sensory and autonomic, type VII; HSAN VII. Identifiers: Orphanet 391397, MedGen C3809882, MONDO:0014244, OMIM 615548.

gnomAD v4.1: 4 of 1,614,110 alleles (0.00025%); highest among the groups gnomAD compares: Non-Finnish European, 0.00017%; no homozygotes.

Submissions (2):

Ambry Genetics
Classification: Uncertain significance for Inborn genetic diseases. Last evaluated: 2025-05-20. Review status: criteria provided, single submitter. Criteria: Ambry Variant Classification Scheme 2023. Collection method: clinical testing. Allele origin: germline.

Labcorp Genetics (formerly Invitae), Labcorp
Classification: Uncertain significance for Familial episodic pain syndrome with predominantly lower limb involvement; Hereditary sensory and autonomic neuropathy type 7. Last evaluated: 2025-02-12. Review status: criteria provided, single submitter. Criteria: Invitae Variant Classification Sherloc (09022015). Collection method: clinical testing. Allele origin: germline.
Comment: This sequence change replaces asparagine, which is neutral and polar, with serine, which is neutral and polar, at codon 590 of the SCN11A protein (p.Asn590Ser). This variant is not present in population databases (gnomAD no frequency). This variant has not been reported in the literature in individuals affected with SCN11A-related conditions. Invitae Evidence Modeling of protein sequence and biophysical properties (such as structural, functional, and spatial information, amino acid conservation, physicochemical variation, residue mobility, and thermodynamic stability) indicates that this missense variant is expected to disrupt SCN11A protein function with a positive predictive value of 80%. In summary, the available evidence is currently insufficient to determine the role of this variant in disease. Therefore, it has been classified as a Variant of Uncertain Significance.